The following is an entry in ClinVar:

ClinVar aggregate classification (germline): Uncertain significance (0 of 4 stars; one submission).

Conditions:
MTTP-related disorder. Also called: MTTP-related condition.

Submission:

PreventionGenetics, part of Exact Sciences
Classification: Uncertain significance for MTTP-related condition. Last evaluated: 2024-01-26. Review status: no assertion criteria provided. Collection method: clinical testing. Allele origin: germline.
Comment: The MTTP c.2189G>T variant is predicted to result in the amino acid substitution p.Gly730Val. To our knowledge, this variant has not been reported in the literature or in a large population database, indicating this variant is rare. At this time, the clinical significance of this variant is uncertain due to the absence of conclusive functional and genetic evidence.

NM_001386140.1(MTTP):c.2189G>T (p.Gly730Val)

Gene: MTTP (microsomal triglyceride transfer protein; plus strand). Cytogenetic location: 4q23.
Variant type: single nucleotide variant.
Coding change: c.2189G>T on transcript NM_001386140.1 (MANE Select); coding-DNA position 2189, G replaced by T.
Protein change: p.Gly730Val; replaces glycine 730 with valine.
Molecular consequence: missense variant.
Genome position (GRCh38, 1-based): chr4:99,613,112, G>T. VCF-style: chr4-99613112-G-T. GRCh37 (hg19) VCF-style: chr4-100534269-G-T.
Other names: c.2189G>T, p.Gly730Val (NM_000253.4); c.1940G>T, p.Gly647Val (NM_001300785.2); short protein forms G647V, G730V.
Identifiers: ClinVar variation 3041485 (VCV003041485.2), dbSNP rs2476149445, ClinGen allele CA357517331.